The following is an entry in ClinVar:

ClinVar aggregate classification (germline): Uncertain significance (1 of 4 stars; one submission).

Submission:

Labcorp Genetics (formerly Invitae), Labcorp
Classification: Uncertain significance. Last evaluated: 2024-12-11. Review status: criteria provided, single submitter. Criteria: Invitae Variant Classification Sherloc (09022015). Collection method: clinical testing. Allele origin: germline.
Comment: This sequence change replaces leucine, which is neutral and non-polar, with proline, which is neutral and non-polar, at codon 162 of the BLK protein (p.Leu162Pro). This variant is not present in population databases (gnomAD no frequency). This variant has not been reported in the literature in individuals affected with BLK-related conditions. An algorithm developed to predict the effect of missense changes on protein structure and function (PolyPhen-2) suggests that this variant is likely to be disruptive. In summary, the available evidence is currently insufficient to determine the role of this variant in disease. Therefore, it has been classified as a Variant of Uncertain Significance.

NM_001715.3(BLK):c.485T>C (p.Leu162Pro)

Genes: BLK (BLK proto-oncogene, Src family tyrosine kinase), BLK-AS1 (BLK antisense RNA 1). Cytogenetic location: 8p23.1.
Variant type: single nucleotide variant.
Coding change: c.485T>C on transcript NM_001715.3 (MANE Select); coding-DNA position 485, T replaced by C.
Protein change: p.Leu162Pro; replaces leucine 162 with proline.
Molecular consequence: missense variant.
Genome position (GRCh38, 1-based): chr8:11,554,755, T>C. VCF-style: chr8-11554755-T-C. GRCh37 (hg19) VCF-style: chr8-11412264-T-C.
Other names: c.272T>C, p.Leu91Pro (NM_001330465.2); short protein forms L162P, L91P.
Identifiers: ClinVar variation 3607315 (VCV003607315.2).
Genomic context (GRCh38, chr8:11,554,755, plus strand): 5'-TTTGTCTTTGTGCCTTACTTCTCGTGTGTGTCTTCATGAACCCTCCAGGTGCCTTCTCCC[T>C]GTCTGTGAAGGATGTCACCACCCAGGGGGAGCTGATCAAGCACTATAAGATCCGCTGCCT-3'
Protein context (NP_001706.2, residues 152-172): ESETNKGAFS[Leu162Pro]SVKDVTTQGE